The following is an entry in ClinVar:

ClinVar aggregate classification (germline): Uncertain significance. Review status: criteria provided, multiple submitters, no conflicts (2 of 4 stars). 2 submissions from 2 submitters: Uncertain significance (2). Last evaluated 2024-11-14.

Conditions:
RP1L1-related disorder. Also called: RP1L1-related condition.
Inborn genetic diseases. Identifiers: MedGen C0950123, MeSH D030342.

Submissions (2):

PreventionGenetics, part of Exact Sciences
Classification: Uncertain significance for RP1L1-related condition. Last evaluated: 2024-11-14. Review status: criteria provided, single submitter. Criteria: ACMG Guidelines, 2015. Collection method: clinical testing. Allele origin: germline.
Comment: The RP1L1 c.1430A>G variant is predicted to result in the amino acid substitution p.Glu477Gly. To our knowledge, this variant has not been reported in the literature. This variant is reported in 0.013% of alleles in individuals of African descent in gnomAD. At this time, the clinical significance of this variant is uncertain due to the absence of conclusive functional and genetic evidence.

Ambry Genetics
Classification: Uncertain significance for Inborn genetic diseases. Last evaluated: 2024-08-01. Review status: criteria provided, single submitter. Criteria: Ambry Variant Classification Scheme 2023. Collection method: clinical testing. Allele origin: germline.

NM_178857.6(RP1L1):c.1430A>G (p.Glu477Gly)

Gene: RP1L1 (RP1 like 1). Cytogenetic location: 8p23.1.
Variant type: single nucleotide variant.
Coding change: c.1430A>G on transcript NM_178857.6 (MANE Select); coding-DNA position 1430, A replaced by G.
Protein change: p.Glu477Gly; replaces glutamic acid 477 with glycine.
Molecular consequence: missense variant.
Genome position (GRCh38, 1-based): chr8:10,612,668, T>C on the plus strand (A>G on the coding strand, the complement: RP1L1 is on the minus strand). VCF-style: chr8-10612668-T-C. GRCh37 (hg19) VCF-style: chr8-10470178-T-C.
Other names: short protein forms E477G.
Identifiers: ClinVar variation 3434928 (VCV003434928.2).
Genomic context (GRCh38, chr8:10,612,668, plus strand): 5'-CCTCCAGCTTTCCGCTCAGCCCCTATCTGGGCAGAGGGGCTGGCACTGTCCACCCCGTCC[T>C]CCGGGGTCCTGGGGCAGCAGGAGGACTCTGGCTCCGAGCCCTCGGGGAGGCCGGTGCTGG-3'
Protein context (NP_849188.4, residues 467-487): PESSCCPRTP[Glu477Gly]DGVDSASPSA